The following is an entry in ClinVar:

ClinVar aggregate classification (germline): Conflicting classifications of pathogenicity. Review status: criteria provided, conflicting classifications (1 of 4 stars). 2 submissions from 2 submitters: Uncertain significance (1); Likely benign (1). Last evaluated 2025-10-23.

Conditions:
SPRY4-related disorder. Also called: SPRY4-related condition.

Allele frequency attached by ClinVar (database versions not stated): gnomAD 0.00019; TOPMed 0.00019; ExAC 0.00025; ESP Exome Variant Server 0.00031.
gnomAD v4.1: 184 of 1,613,942 alleles (0.011%); highest among the groups gnomAD compares: South Asian, 0.049%; no homozygotes.

Submissions (2):

PreventionGenetics, part of Exact Sciences
Classification: Likely benign for SPRY4-related condition. Last evaluated: 2025-10-23. Review status: criteria provided, single submitter. Criteria: ACMG Guidelines, 2015. Collection method: clinical testing. Allele origin: germline.
Comment: This variant is classified as likely benign based on ACMG/AMP sequence variant interpretation guidelines (Richards et al. 2015 PMID: 25741868, with internal and published modifications).

Labcorp Genetics (formerly Invitae), Labcorp
Classification: Uncertain significance. Last evaluated: 2025-08-29. Review status: criteria provided, single submitter. Criteria: Invitae Variant Classification Sherloc (09022015). Collection method: clinical testing. Allele origin: germline.
Comment: This sequence change replaces arginine, which is basic and polar, with histidine, which is basic and polar, at codon 290 of the SPRY4 protein (p.Arg290His). This variant is present in population databases (rs367842050, gnomAD 0.06%), and has an allele count higher than expected for a pathogenic variant. This variant has not been reported in the literature in individuals affected with SPRY4-related conditions. ClinVar contains an entry for this variant (Variation ID: 2050887). An algorithm developed to predict the effect of missense changes on protein structure and function (PolyPhen-2) suggests that this variant is likely to be disruptive. In summary, the available evidence is currently insufficient to determine the role of this variant in disease. Therefore, it has been classified as a Variant of Uncertain Significance.

NM_001127496.3(SPRY4):c.800G>A (p.Arg267His)

Gene: SPRY4 (sprouty RTK signaling antagonist 4; minus strand). Cytogenetic location: 5q31.3.
Variant type: single nucleotide variant.
Coding change: c.800G>A on transcript NM_001127496.3 (MANE Select); coding-DNA position 800, G replaced by A.
Protein change: p.Arg267His; replaces arginine 267 with histidine.
Molecular consequence: missense variant.
Genome position (GRCh38, 1-based): chr5:142,314,309, C>T on the plus strand (G>A on the coding strand, the complement: SPRY4 is on the minus strand). VCF-style: chr5-142314309-C-T. GRCh37 (hg19) VCF-style: chr5-141693874-C-T.
Other names: c.800G>A, p.Arg267His (NM_001293289.3, NM_001293290.3); c.869G>A, p.Arg290His (NM_030964.5); c.869G>A (NM_030964.3); short protein forms R290H, R267H.
Identifiers: ClinVar variation 2050887 (VCV002050887.5), dbSNP rs367842050, ClinGen allele CA3485466.
Genomic context (GRCh38, chr5:142,314,309, plus strand): 5'-CTGGCTGCTTTGCAGATGACGCTGTTCGTGTGCTTGCAGCGGCAACCAGGGCGGCGCAGA[C>T]GGTCGTAGCCACGCTGGGCCAGCTTCACGCAGCCGGTGGCAGGCAGGTAGCAGAGCAGGC-3'
Protein context (NP_001120968.1, residues 257-277): CVKLAQRGYD[Arg267His]LRRPGCRCKH